The following is an entry in ClinVar:

ClinVar aggregate classification (germline): Conflicting classifications of pathogenicity. Review status: criteria provided, conflicting classifications (1 of 4 stars). 3 submissions from 3 submitters: Uncertain significance (2); Likely benign (1). Last evaluated 2025-11-26.

Conditions:
Inborn genetic diseases. Identifiers: MedGen C0950123, MeSH D030342.

gnomAD v4.1: 7 of 1,610,008 alleles (0.00043%); highest among the groups gnomAD compares: Middle Eastern, 0.033%; no homozygotes.

Submissions (3):

Women's Health and Genetics/Laboratory Corporation of America, LabCorp
Classification: Uncertain significance. Last evaluated: 2025-11-26. Review status: criteria provided, single submitter. Criteria: LabCorp Variant Classification Summary - May 2015. Collection method: clinical testing. Allele origin: germline.
Comment: Variant summary: KAT6A c.3737G>T (p.Ser1246Ile) results in a non-conservative amino acid change in the encoded protein sequence. Algorithms developed to predict the effect of missense changes on protein structure and function are either unavailable or do not agree on the potential impact of this missense change. The variant was absent in 240962 control chromosomes. The available data on variant occurrences in the general population are insufficient to allow any conclusion about variant significance. To our knowledge, no occurrence of c.3737G>T in individuals affected with KAT6A-related conditions and no experimental evidence demonstrating its impact on protein function have been reported. ClinVar contains an entry for this variant (Variation ID: 4089805). Based on the evidence outlined above, the variant was classified as uncertain significance.

Labcorp Genetics (formerly Invitae), Labcorp
Classification: Likely benign. Last evaluated: 2025-08-29. Review status: criteria provided, single submitter. Criteria: Invitae Variant Classification Sherloc (09022015). Collection method: clinical testing. Allele origin: germline.

Ambry Genetics
Classification: Uncertain significance for Inborn genetic diseases. Last evaluated: 2025-08-09. Review status: criteria provided, single submitter. Criteria: Ambry Variant Classification Scheme 2023. Collection method: clinical testing. Allele origin: germline.

NM_006766.5(KAT6A):c.3737G>T (p.Ser1246Ile)

Gene: KAT6A (lysine acetyltransferase 6A; minus strand). Cytogenetic location: 8p11.21.
Variant type: single nucleotide variant.
Coding change: c.3737G>T on transcript NM_006766.5 (MANE Select); coding-DNA position 3737, G replaced by T.
Protein change: p.Ser1246Ile; replaces serine 1246 with isoleucine.
Molecular consequence: missense variant.
Genome position (GRCh38, 1-based): chr8:41,934,483, C>A on the plus strand (G>T on the coding strand, the complement: KAT6A is on the minus strand). VCF-style: chr8-41934483-C-A. GRCh37 (hg19) VCF-style: chr8-41792001-C-A.
Other names: short protein forms S1246I.
Identifiers: ClinVar variation 4089805 (VCV004089805.3).